The following is an entry in ClinVar:

NM_170675.5(MEIS2):c.520C>G (p.Arg174Gly)

Gene: MEIS2 (Meis homeobox 2; minus strand). Cytogenetic location: 15q14.
Variant type: single nucleotide variant.
Coding change: c.520C>G on transcript NM_170675.5 (MANE Select); coding-DNA position 520, C replaced by G.
Protein change: p.Arg174Gly; replaces arginine 174 with glycine.
Molecular consequence: missense variant. On other transcripts: non-coding transcript variant (1).
Genome position (GRCh38, 1-based): chr15:37,093,700, G>C on the plus strand (C>G on the coding strand, the complement: MEIS2 is on the minus strand). VCF-style: chr15-37093700-G-C. GRCh37 (hg19) VCF-style: chr15-37385901-G-C.
Other names: c.520C>G, p.Arg174Gly (NM_001220482.2, NM_170674.5, NM_170676.5 and 1 more transcripts); c.481C>G, p.Arg161Gly (NM_002399.4, NM_172315.3); c.256C>G, p.Arg86Gly (NM_172316.3); short protein forms R161G, R174G, R86G.
Identifiers: ClinVar variation 4976480 (VCV004976480.1).

ClinVar aggregate classification (germline): Uncertain significance (1 of 4 stars; one submission).

Submission:

GeneDx
Classification: Uncertain significance. Last evaluated: 2026-02-27. Review status: criteria provided, single submitter. Criteria: GeneDx Variant Classification Process June 2021. Collection method: clinical testing. Allele origin: germline.
Comment: Not observed at significant frequency in large population cohorts (gnomAD); In silico analysis supports that this missense variant has a deleterious effect on protein structure/function; Has not been previously published as pathogenic or benign to our knowledge